The following is an entry in ClinVar:

NM_000395.3(CSF2RB):c.2056C>T (p.Gln686Ter)

Gene: CSF2RB (colony stimulating factor 2 receptor subunit beta; plus strand). Cytogenetic location: 22q12.3.
Variant type: single nucleotide variant.
Coding change: c.2056C>T on transcript NM_000395.3 (MANE Select); coding-DNA position 2056, C replaced by T.
Protein change: p.Gln686Ter; replaces glutamine 686 with a stop codon.
Molecular consequence: nonsense.
Genome position (GRCh38, 1-based): chr22:36,937,864, C>T. VCF-style: chr22-36937864-C-T. GRCh37 (hg19) VCF-style: chr22-37333906-C-T.
Other names: c.2074C>T, p.Gln692Ter (NM_001410827.1); short protein forms Q686*, Q692*.
Identifiers: ClinVar variation 2779592 (VCV002779592.3), dbSNP rs1160331273, ClinGen allele CA411410732.
Genomic context (GRCh38, chr22:36,937,864, plus strand): 5'-CCCTCCCTGGAGTCCGGGGGAGGCCCTGCCCCTCCTGCTCTTGGGCCAAGGGTGGGAGGA[C>T]AGGACCAAAAGGACAGCCCTGTGGCTATACCCATGAGCTCTGGGGACACTGAGGACCCTG-3'

ClinVar aggregate classification (germline): Uncertain significance (1 of 4 stars; one submission).

Allele frequency attached by ClinVar (database versions not stated): gnomAD exomes 0.00001; TOPMed 0.00001.
gnomAD v4.1: 7 of 1,613,944 alleles (0.00043%); highest among the groups gnomAD compares: African/African-American, 0.0013%; no homozygotes.

Submission:

Labcorp Genetics (formerly Invitae), Labcorp
Classification: Uncertain significance. Last evaluated: 2024-08-04. Review status: criteria provided, single submitter. Criteria: Invitae Variant Classification Sherloc (09022015). Collection method: clinical testing. Allele origin: germline.
Comment: This sequence change creates a premature translational stop signal (p.Gln686*) in the CSF2RB gene. While this is not anticipated to result in nonsense mediated decay, it is expected to disrupt the last 212 amino acid(s) of the CSF2RB protein. This variant is present in population databases (no rsID available, gnomAD 0.007%). This variant has not been reported in the literature in individuals affected with CSF2RB-related conditions. Experimental studies and prediction algorithms are not available or were not evaluated, and the functional significance of this variant is currently unknown. In summary, the available evidence is currently insufficient to determine the role of this variant in disease. Therefore, it has been classified as a Variant of Uncertain Significance.